The following is an entry in ClinVar:

ClinVar aggregate classification (germline): Conflicting classifications of pathogenicity. Review status: criteria provided, conflicting classifications (1 of 4 stars). 5 submissions from 5 submitters: Uncertain significance (1); Likely benign (4). Last evaluated 2026-04-01.

Conditions:
Inborn genetic diseases. Identifiers: MedGen C0950123, MeSH D030342.
Developmental and epileptic encephalopathy, 14 (DEE14). Also called: Early infantile epileptic encephalopathy 14. Identifiers: Orphanet 293181, MedGen C3554195, MONDO:0013989, OMIM 614959.
Autosomal dominant nocturnal frontal lobe epilepsy 5. Also called: CILIARY DYSKINESIA, PRIMARY, 28, WITH SITUS INVERSUS; Epilepsy, nocturnal frontal lobe, 5; CILIARY DYSKINESIA, PRIMARY, 28, WITHOUT SITUS INVERSUS; KCNT1-Related Epilepsy. Identifiers: Orphanet 98784, MedGen C3554306, MONDO:0014002, OMIM 615005.

Allele frequency attached by ClinVar (database versions not stated): ESP Exome Variant Server 0.00008; gnomAD 0.00009; TOPMed 0.00011; 1000 Genomes Project 30x 0.00016; gnomAD exomes 0.00017 and 0.00006.
gnomAD v4.1: 89 of 1,471,854 alleles (0.006%); highest among the groups gnomAD compares: Middle Eastern, 0.036%; no homozygotes.

Submissions (5):

CeGaT Center for Human Genetics Tuebingen
Classification: Likely benign. Last evaluated: 2026-04-01. Review status: criteria provided, single submitter. Criteria: CeGaT Center For Human Genetics Tuebingen Variant Classification Criteria Version 2. Collection method: clinical testing. Allele origin: germline. Affected: yes. Observed: 3 variant alleles.
Comment: KCNT1: BP4, BP7

Labcorp Genetics (formerly Invitae), Labcorp
Classification: Likely benign for Autosomal dominant nocturnal frontal lobe epilepsy 5; Developmental and epileptic encephalopathy, 14. Last evaluated: 2025-12-19. Review status: criteria provided, single submitter. Criteria: Invitae Variant Classification Sherloc (09022015). Collection method: clinical testing. Allele origin: germline.

GeneDx
Classification: Likely benign. Last evaluated: 2021-03-05. Review status: criteria provided, single submitter. Criteria: GeneDx Variant Classification Process June 2021. Collection method: clinical testing. Allele origin: germline. Affected: yes.

Ambry Genetics
Classification: Likely benign for Inborn genetic diseases. Last evaluated: 2016-10-31. Review status: criteria provided, single submitter. Criteria: Ambry Variant Classification Scheme 2023. Collection method: clinical testing. Allele origin: germline.

Eurofins Ntd Llc (ga)
Classification: Uncertain significance. Last evaluated: 2015-01-23. Review status: criteria provided, single submitter. Criteria: EGL Classification Definitions 2015. Collection method: clinical testing. Allele origin: germline. Observed: 1 variant allele, 1 heterozygote.

NM_020822.3(KCNT1):c.2052G>A (p.Thr684=)

Gene: KCNT1 (potassium sodium-activated channel subfamily T member 1; plus strand). Cytogenetic location: 9q34.3.
Variant type: single nucleotide variant.
Coding change: c.2052G>A on transcript NM_020822.3 (MANE Select); coding-DNA position 2052, G replaced by A.
Protein change: p.Thr684=; no amino-acid change (threonine 684 retained).
Molecular consequence: synonymous variant.
Genome position (GRCh38, 1-based): chr9:135,772,758, G>A. VCF-style: chr9-135772758-G-A. GRCh37 (hg19) VCF-style: chr9-138664604-G-A.
Other names: c.1917G>A, p.Thr639= (NM_001272003.2).
Identifiers: ClinVar variation 194982 (VCV000194982.57), dbSNP rs376314779, ClinGen allele CA241235.